The following is an entry in ClinVar:

NM_198525.3(KIF7):c.3G>A (p.Met1Ile)

Gene: KIF7 (kinesin family member 7; minus strand). Cytogenetic location: 15q26.1.
Variant type: single nucleotide variant.
Coding change: c.3G>A on transcript NM_198525.3 (MANE Select); coding-DNA position 3, G replaced by A.
Protein change: p.Met1Ile; changes the start codon (methionine 1).
Molecular consequence: missense variant, initiator codon variant.
Genome position (GRCh38, 1-based): chr15:89,652,928, C>T on the plus strand (G>A on the coding strand, the complement: KIF7 is on the minus strand). VCF-style: chr15-89652928-C-T. GRCh37 (hg19) VCF-style: chr15-90196159-C-T.
Other names: short protein forms M1I.
Identifiers: ClinVar variation 2628473 (VCV002628473.1), dbSNP rs2505511199, ClinGen allele CA393781274.

ClinVar aggregate classification (germline): Uncertain significance (1 of 4 stars; one submission).

Conditions:
KIF7-related disorder. Also called: KIF7-related condition.

Submission:

PreventionGenetics, part of Exact Sciences
Classification: Uncertain significance for KIF7-related condition. Last evaluated: 2022-11-01. Review status: criteria provided, single submitter. Criteria: ACMG Guidelines, 2015. Collection method: clinical testing. Allele origin: germline.
Comment: The KIF7 c.3G>A variant is predicted to disrupt the translation initiation site (Start Loss). To our knowledge, this variant has not been reported in the literature or in a large population database, indicating this variant is rare. Although loss-of-function variants in KIF7 are known to be pathogenic, variants affecting the translation initiation site have not been documented. Although we suspect that this variant may be pathogenic, at this time, the clinical significance of this variant is uncertain due to the absence of conclusive functional and genetic evidence.